The following is an entry in ClinVar:

NM_001042492.3(NF1):c.5530A>G (p.Lys1844Glu)

Gene: NF1 (neurofibromin 1; plus strand). Cytogenetic location: 17q11.2.
Variant type: single nucleotide variant.
Coding change: c.5530A>G on transcript NM_001042492.3 (MANE Select); coding-DNA position 5530, A replaced by G.
Protein change: p.Lys1844Glu; replaces lysine 1844 with glutamic acid.
Molecular consequence: missense variant.
Genome position (GRCh38, 1-based): chr17:31,327,760, A>G. VCF-style: chr17-31327760-A-G. GRCh37 (hg19) VCF-style: chr17-29654778-A-G.
Other names: c.5467A>G, p.Lys1823Glu (NM_000267.4); short protein forms K1844E, K1823E.
Identifiers: ClinVar variation 2755883 (VCV002755883.3), dbSNP rs2151541676, ClinGen allele CA399009771.

ClinVar aggregate classification (germline): Uncertain significance (1 of 4 stars; one submission).

Conditions:
Neurofibromatosis, type 1 (NF1). Also called: VON RECKLINGHAUSEN DISEASE; NEUROFIBROMATOSIS, TYPE I, SOMATIC; Peripheral type neurofibromatosis; Neurofibromatosis, type I. Identifiers: Orphanet 636, MedGen C0027831, MONDO:0018975, OMIM 162200. Disease mechanism: loss of function.

Submission:

Labcorp Genetics (formerly Invitae), Labcorp
Classification: Uncertain significance for Neurofibromatosis, type 1. Last evaluated: 2023-08-28. Review status: criteria provided, single submitter. Criteria: Invitae Variant Classification Sherloc (09022015). Collection method: clinical testing. Allele origin: germline.
Comment: In summary, the available evidence is currently insufficient to determine the role of this variant in disease. Therefore, it has been classified as a Variant of Uncertain Significance. Advanced modeling of protein sequence and biophysical properties (such as structural, functional, and spatial information, amino acid conservation, physicochemical variation, residue mobility, and thermodynamic stability) performed at Invitae indicates that this missense variant is expected to disrupt NF1 protein function. This sequence change replaces lysine, which is basic and polar, with glutamic acid, which is acidic and polar, at codon 1823 of the NF1 protein (p.Lys1823Glu). This variant is not present in population databases (gnomAD no frequency). This variant has not been reported in the literature in individuals affected with NF1-related conditions.